The following is an entry in ClinVar:

ClinVar aggregate classification (germline): Pathogenic (1 of 4 stars; one submission).

Submission:

Labcorp Genetics (formerly Invitae), Labcorp
Classification: Pathogenic. Last evaluated: 2024-06-23. Review status: criteria provided, single submitter. Criteria: Invitae Variant Classification Sherloc (09022015). Collection method: clinical testing. Allele origin: germline.
Comment: This sequence change creates a premature translational stop signal (p.Ser1060*) in the NBAS gene. It is expected to result in an absent or disrupted protein product. Loss-of-function variants in NBAS are known to be pathogenic (PMID: 26073778, 26541327, 27789416, 28031453). This variant is not present in population databases (gnomAD no frequency). This variant has not been reported in the literature in individuals affected with NBAS-related conditions. For these reasons, this variant has been classified as Pathogenic.

Literature cited by the submitters: PubMed 26073778; PubMed 26541327; PubMed 27789416; PubMed 28031453.

NM_015909.4(NBAS):c.3179C>A (p.Ser1060Ter)

Gene: NBAS (NBAS subunit of NRZ tethering complex; minus strand). Cytogenetic location: 2p24.3.
Variant type: single nucleotide variant.
Coding change: c.3179C>A on transcript NM_015909.4 (MANE Select); coding-DNA position 3179, C replaced by A.
Protein change: p.Ser1060Ter; replaces serine 1060 with a stop codon.
Molecular consequence: nonsense. On other transcripts: non-coding transcript variant (1).
Genome position (GRCh38, 1-based): chr2:15,394,305, G>T on the plus strand (C>A on the coding strand, the complement: NBAS is on the minus strand). VCF-style: chr2-15394305-G-T. GRCh37 (hg19) VCF-style: chr2-15534429-G-T.
Other names: short protein forms S1060*.
Identifiers: ClinVar variation 3620138 (VCV003620138.2).